The following is an entry in ClinVar:

NM_000883.4(IMPDH1):c.136G>C (p.Glu46Gln)

Genes: IMPDH1 (inosine monophosphate dehydrogenase 1; minus strand), LOC129999258 (ATAC-STARR-seq lymphoblastoid silent region 18606; plus strand). Cytogenetic location: 7q32.1.
Variant type: single nucleotide variant.
Coding change: c.136G>C on transcript NM_000883.4 (MANE Select); coding-DNA position 136, G replaced by C.
Protein change: p.Glu46Gln; replaces glutamic acid 46 with glutamine.
Molecular consequence: missense variant.
Genome position (GRCh38, 1-based): chr7:128,409,766, C>G on the plus strand (G>C on the coding strand, the complement: IMPDH1 is on the minus strand). VCF-style: chr7-128409766-C-G. GRCh37 (hg19) VCF-style: chr7-128049820-C-G.
Other names: c.136G>C, p.Glu46Gln (NM_001102605.2, NM_001142576.2, NM_001304521.2 and 1 more transcripts); short protein forms E46Q.
Identifiers: ClinVar variation 3697136 (VCV003697136.2).

ClinVar aggregate classification (germline): Uncertain significance (1 of 4 stars; one submission).

Submission:

Labcorp Genetics (formerly Invitae), Labcorp
Classification: Uncertain significance. Last evaluated: 2024-06-04. Review status: criteria provided, single submitter. Criteria: Invitae Variant Classification Sherloc (09022015). Collection method: clinical testing. Allele origin: germline.
Comment: This sequence change replaces glutamic acid, which is acidic and polar, with glutamine, which is neutral and polar, at codon 46 of the IMPDH1 protein (p.Glu46Gln). This variant is not present in population databases (gnomAD no frequency). This variant has not been reported in the literature in individuals affected with IMPDH1-related conditions. An algorithm developed to predict the effect of missense changes on protein structure and function (PolyPhen-2) suggests that this variant is likely to be tolerated. In summary, the available evidence is currently insufficient to determine the role of this variant in disease. Therefore, it has been classified as a Variant of Uncertain Significance.